The following is an entry in ClinVar:

NM_017841.4(SDHAF2):c.226A>G (p.Lys76Glu)

Gene: SDHAF2 (succinate dehydrogenase complex assembly factor 2; plus strand). Cytogenetic location: 11q12.2.
Variant type: single nucleotide variant.
Coding change: c.226A>G on transcript NM_017841.4 (MANE Select); coding-DNA position 226, A replaced by G.
Protein change: p.Lys76Glu; replaces lysine 76 with glutamic acid.
Molecular consequence: missense variant.
Genome position (GRCh38, 1-based): chr11:61,437,814, A>G. VCF-style: chr11-61437814-A-G. GRCh37 (hg19) VCF-style: chr11-61205286-A-G.
Other names: short protein forms K76E.
Identifiers: ClinVar variation 3647414 (VCV003647414.2).
Genomic context (GRCh38, chr11:61,437,814, plus strand): 5'-CAGGAGAGAACTGATGAATCCATAGAAACCAAAAGAGCCCGCCTGCTCTATGAGAGCAGA[A>G]AGAGGGGAATGTTGGAAAACTGCATTCTTCTTAGGTATGGGACTAGGAGTCTTTTTTTTT-3'
Protein context (NP_060311.1, residues 66-86): KRARLLYESR[Lys76Glu]RGMLENCILL

ClinVar aggregate classification (germline): Uncertain significance (1 of 4 stars; one submission).

Conditions:
Hereditary pheochromocytoma and paraganglioma. Also called: Hereditary paragangliomas and pheochromocytomas; Hereditary Paraganglioma-Pheochromocytoma Syndromes; Hereditary pheochromocytoma-paraganglioma. Identifiers: Orphanet 29072, MedGen C4274332, MONDO:0017366.

Submission:

Labcorp Genetics (formerly Invitae), Labcorp
Classification: Uncertain significance for Hereditary pheochromocytoma and paraganglioma. Last evaluated: 2025-09-12. Review status: criteria provided, single submitter. Criteria: Invitae Variant Classification Sherloc (09022015). Collection method: clinical testing. Allele origin: germline.
Comment: This sequence change replaces lysine, which is basic and polar, with glutamic acid, which is acidic and polar, at codon 76 of the SDHAF2 protein (p.Lys76Glu). This variant is not present in population databases (gnomAD no frequency). This variant has not been reported in the literature in individuals affected with SDHAF2-related conditions. ClinVar contains an entry for this variant (Variation ID: 3647414). An algorithm developed to predict the effect of missense changes on protein structure and function (PolyPhen-2) suggests that this variant is likely to be disruptive. In summary, the available evidence is currently insufficient to determine the role of this variant in disease. Therefore, it has been classified as a Variant of Uncertain Significance.